The following is an entry in ClinVar:

NM_000291.4(PGK1):c.405T>C (p.Ala135=)

Gene: PGK1 (phosphoglycerate kinase 1; plus strand). Cytogenetic location: Xq21.1.
Variant type: single nucleotide variant.
Coding change: c.405T>C on transcript NM_000291.4 (MANE Select); coding-DNA position 405, T replaced by C.
Protein change: p.Ala135=; no amino-acid change (alanine 135 retained).
Molecular consequence: synonymous variant.
Genome position (GRCh38, 1-based): chrX:78,114,148, T>C. VCF-style: chrX-78114148-T-C. GRCh37 (hg19) VCF-style: chrX-77369645-T-C.
Identifiers: ClinVar variation 3021449 (VCV003021449.6), dbSNP rs782014533, ClinGen allele CA10459680.

ClinVar aggregate classification (germline): Benign/Likely benign. Review status: criteria provided, multiple submitters, no conflicts (2 of 4 stars). 3 submissions from 3 submitters: Benign (1); Likely benign (1). 1 of the submissions does not count toward it. Last evaluated 2026-09-01.

Conditions:
PGK1-related disorder. Also called: PGK1-related condition.

Allele frequency attached by ClinVar (database versions not stated): ExAC 0.00002; gnomAD 0.00005; gnomAD exomes 0.00007; TOPMed 0.00008.
gnomAD v4.1: 80 of 1,209,151 alleles (0.0066%); highest among the groups gnomAD compares: Non-Finnish European, 0.0084%; no homozygotes.

Submissions (3):

CeGaT Center for Human Genetics Tuebingen
Classification: Likely benign. Last evaluated: 2026-09-01. Review status: criteria provided, single submitter. Criteria: CeGaT Center For Human Genetics Tuebingen Variant Classification Criteria Version 2. Collection method: clinical testing. Allele origin: germline. Affected: yes. Observed: 1 variant allele.
Comment: PGK1: BP4, BP7, BS2

Labcorp Genetics (formerly Invitae), Labcorp
Classification: Benign. Last evaluated: 2025-08-18. Review status: criteria provided, single submitter. Criteria: Invitae Variant Classification Sherloc (09022015). Collection method: clinical testing. Allele origin: germline.

PreventionGenetics, part of Exact Sciences
Classification: Likely benign for PGK1-related condition. Last evaluated: 2019-04-08. Review status: no assertion criteria provided. Collection method: clinical testing. Allele origin: germline. Not counted in ClinVar's aggregate classification.
Comment: This variant is classified as likely benign based on ACMG/AMP sequence variant interpretation guidelines (Richards et al. 2015 PMID: 25741868, with internal and published modifications).